The following is an entry in ClinVar:

NM_002693.3(POLG):c.330C>T (p.His110=)

Genes: POLG (DNA polymerase gamma, catalytic subunit; minus strand), POLGARF (POLG alternative reading frame; minus strand). Cytogenetic location: 15q26.1.
Variant type: single nucleotide variant.
Coding change: c.330C>T on transcript NM_002693.3 (MANE Select); coding-DNA position 330, C replaced by T.
Protein change: p.His110=; no amino-acid change (histidine 110 retained).
Molecular consequence: synonymous variant.
Genome position (GRCh38, 1-based): chr15:89,333,425, G>A on the plus strand (C>T on the coding strand, the complement: POLG is on the minus strand). VCF-style: chr15-89333425-G-A. GRCh37 (hg19) VCF-style: chr15-89876656-G-A.
Other names: c.330C>T, p.His110= (NM_001126131.2).
Identifiers: ClinVar variation 458714 (VCV000458714.18), dbSNP rs376266682, ClinGen allele CA274566083.

ClinVar aggregate classification (germline): Conflicting classifications of pathogenicity. Review status: criteria provided, conflicting classifications (1 of 4 stars). 4 submissions from 4 submitters: Uncertain significance (1); Likely benign (2). 1 of the submissions does not count toward it. Last evaluated 2026-01-24.

Conditions:
POLG-related disorder. Also called: POLG-Related Spectrum Disorders; POLG-related condition; POLG-Related Disorders. Identifiers: MedGen C4763519.
Progressive sclerosing poliodystrophy (MTDPS4A). Also called: Alpers Syndrome; ALPERS DIFFUSE DEGENERATION OF CEREBRAL GRAY MATTER WITH HEPATIC CIRRHOSIS; Alpers-Huttenlocher Syndrome; Mitochondrial DNA depletion syndrome 4A (Alpers type); Mitochondrial DNA Depletion Syndrome 4A; Alpers-Huttenlocher Syndrome (AHS). Identifiers: Orphanet 726, MedGen C0205710, MONDO:0008758, OMIM 203700.

Allele frequency attached by ClinVar (database versions not stated): gnomAD 0.00001; gnomAD exomes 0.00001 and 0.00003; TOPMed 0.00002; ESP Exome Variant Server 0.00008.
gnomAD v4.1: 43 of 1,607,994 alleles (0.0027%); highest among the groups gnomAD compares: Non-Finnish European, 0.0033%; no homozygotes.

Submissions (4):

Labcorp Genetics (formerly Invitae), Labcorp
Classification: Likely benign for Progressive sclerosing poliodystrophy. Last evaluated: 2026-01-24. Review status: criteria provided, single submitter. Criteria: Invitae Variant Classification Sherloc (09022015). Collection method: clinical testing. Allele origin: germline.

Blueprint Genetics
Classification: Likely benign. Last evaluated: 2023-04-14. Review status: criteria provided, single submitter. Criteria: ACMG Guidelines, 2015. Collection method: clinical testing. Allele origin: germline.

Eurofins Ntd Llc (ga)
Classification: Uncertain significance. Last evaluated: 2017-06-05. Review status: criteria provided, single submitter. Criteria: EGL Classification Definitions 2015. Collection method: clinical testing. Allele origin: germline. Observed: 1 variant allele, 1 heterozygote.

PreventionGenetics, part of Exact Sciences
Classification: Likely benign for POLG-related condition. Last evaluated: 2019-11-26. Review status: no assertion criteria provided. Collection method: clinical testing. Allele origin: germline. Not counted in ClinVar's aggregate classification.
Comment: This variant is classified as likely benign based on ACMG/AMP sequence variant interpretation guidelines (Richards et al. 2015 PMID: 25741868, with internal and published modifications).